The following is an entry in ClinVar:

ClinVar aggregate classification (germline): Uncertain significance (1 of 4 stars; one submission).

Conditions:
Inborn genetic diseases. Identifiers: MedGen C0950123, MeSH D030342.

Submission:

Ambry Genetics
Classification: Uncertain significance for Inborn genetic diseases. Last evaluated: 2025-05-05. Review status: criteria provided, single submitter. Criteria: Ambry Variant Classification Scheme 2023. Collection method: clinical testing. Allele origin: germline.
Comment: The p.S459N variant (also known as c.1376G>A), located in coding exon 16 of the RTEL1 gene, results from a G to A substitution at nucleotide position 1376. The serine at codon 459 is replaced by asparagine, an amino acid with highly similar properties. This amino acid position is conserved. In addition, the in silico prediction for this alteration is inconclusive. Based on the available evidence, the clinical significance of this variant remains unclear.

NM_001283009.2(RTEL1):c.1376G>A (p.Ser459Asn)

Genes: RTEL1 (regulator of telomere elongation helicase 1; plus strand), RTEL1-TNFRSF6B (RTEL1-TNFRSF6B readthrough (NMD candidate); plus strand). Cytogenetic location: 20q13.33.
Variant type: single nucleotide variant.
Coding change: c.1376G>A on transcript NM_001283009.2 (MANE Select); coding-DNA position 1376, G replaced by A.
Protein change: p.Ser459Asn; replaces serine 459 with asparagine.
Molecular consequence: missense variant. On other transcripts: non-coding transcript variant (1).
Genome position (GRCh38, 1-based): chr20:63,687,665, G>A. VCF-style: chr20-63687665-G-A. GRCh37 (hg19) VCF-style: chr20-62319018-G-A.
Other names: c.707G>A, p.Ser236Asn (NM_001283010.1); c.1376G>A, p.Ser459Asn (NM_016434.4); c.1448G>A, p.Ser483Asn (NM_032957.5); short protein forms S459N, S236N, S483N.
Identifiers: ClinVar variation 3948368 (VCV003948368.1).
Genomic context (GRCh38, chr20:63,687,665, plus strand): 5'-ACTCTGTGCCCTCTGCCGCCCCCCGCCCCACAGGGAAGGTGCTGAGCTACTGGTGCTTCA[G>A]TCCCGGCCACAGCATGCACGAGCTGGTCCGCCAGGGCGTCCGCTCCCTCATCCTTACCAG-3'
Protein context (NP_001269938.1, residues 449-469): RGKVLSYWCF[Ser459Asn]PGHSMHELVR